The following is an entry in ClinVar:

ClinVar aggregate classification (germline): Uncertain significance. Review status: criteria provided, multiple submitters, no conflicts (2 of 4 stars). 2 submissions from 2 submitters: Uncertain significance (2). Last evaluated 2025-06-24.

Conditions:
Inborn genetic diseases. Identifiers: MedGen C0950123, MeSH D030342.

Allele frequency attached by ClinVar (database versions not stated): gnomAD 0.00001; gnomAD exomes 0.00001; TOPMed 0.00003.
gnomAD v4.1: 4 of 1,614,054 alleles (0.00025%); highest among the groups gnomAD compares: African/African-American, 0.0053%; no homozygotes.

Submissions (2):

Ambry Genetics
Classification: Uncertain significance for Inborn genetic diseases. Last evaluated: 2025-06-24. Review status: criteria provided, single submitter. Criteria: Ambry Variant Classification Scheme 2023. Collection method: clinical testing. Allele origin: germline.

GeneDx
Classification: Uncertain significance. Last evaluated: 2024-03-11. Review status: criteria provided, single submitter. Criteria: GeneDx Variant Classification Process June 2021. Collection method: clinical testing. Allele origin: germline. Affected: yes.
Comment: In silico analysis supports that this missense variant does not alter protein structure/function; Has not been previously published as pathogenic or benign to our knowledge

NM_020987.5(ANK3):c.11810A>G (p.Gln3937Arg)

Gene: ANK3 (ankyrin 3; minus strand). Cytogenetic location: 10q21.2.
Variant type: single nucleotide variant.
Coding change: c.11810A>G on transcript NM_020987.5 (MANE Select); coding-DNA position 11810, A replaced by G.
Protein change: p.Gln3937Arg; replaces glutamine 3937 with arginine.
Molecular consequence: missense variant. On other transcripts: intron variant (4).
Genome position (GRCh38, 1-based): chr10:60,069,071, T>C on the plus strand (A>G on the coding strand, the complement: ANK3 is on the minus strand). VCF-style: chr10-60069071-T-C. GRCh37 (hg19) VCF-style: chr10-61828829-T-C.
Other names: c.4388-1062A>G (NM_001204403.2); c.4409-1062A>G (NM_001204404.2); c.4406-1062A>G (NM_001320874.2); c.1808-1062A>G (NM_001149.4); short protein forms Q3937R.
Identifiers: ClinVar variation 2527332 (VCV002527332.4), dbSNP rs1012469081, ClinGen allele CA207323704.